The following is an entry in ClinVar:

NM_006259.3(PRKG2):c.2127-61CCTT[16]

Gene: PRKG2 (protein kinase cGMP-dependent 2; minus strand). Cytogenetic location: 4q21.21.
Variant type: Microsatellite.
Coding change: c.2127-61CCTT[16] on transcript NM_006259.3 (MANE Select); 16 copies in a row of the 4-base unit CCTT starting at c.2127-61; the reference has 12 copies in a row; four copies, 16 bases duplicated.
Molecular consequence: intron variant.
Genome position (GRCh38, 1-based): chr4:81,092,466-81,092,481, AAGGAAGGAAGGAAGG duplicated on the plus strand (CCTTCCTTCCTTCCTT on the coding strand, the reverse complement: PRKG2 is on the minus strand); duplicating any 16 consecutive bases within chr4:81,092,466-81,092,513 gives the same sequence; the position shown is the placement nearest the transcript's 3' end. VCF-style (leftmost placement, unchanged base first): chr4-81092465-A-AAAGGAAGGAAGGAAGG. GRCh37 (hg19) VCF-style: chr4-82013619-A-AAAGGAAGGAAGGAAGG.
Other names: c.780-61CCTT[16] (NM_001282482.1); c.687-61CCTT[16] (NM_001282483.1); c.867-61CCTT[16] (NM_001282481.1, NM_001282480.1); c.2040-61CCTT[16] (NM_001282485.2); c.2127-61CCTT[16] (NM_001363401.2); c.2127-29_2127-14dup16 (NM_006259.3).
Identifiers: ClinVar variation 4887511 (VCV004887511.1).
Genomic context (GRCh38, chr4:81,092,465, plus strand): 5'-GGAAGGCTCCGTGCTTTCAGTCCCTCCCAATTAAAACCATTTAACCACCTGAGAAATGAG[A>AAAGGAAGGAAGGAAGG]AAGGAAGGAAGGAAGGAAGGAAGGAAGGAAGGAAGGAAGGAAGGAAGGGAGAAAGAAAGA-3'

ClinVar aggregate classification (germline): Benign (1 of 4 stars; one submission).

Submission:

Women's Health and Genetics/Laboratory Corporation of America, LabCorp
Classification: Benign. Last evaluated: 2026-06-04. Review status: criteria provided, single submitter. Criteria: LabCorp Variant Classification Summary - May 2015. Collection method: clinical testing. Allele origin: germline.
Comment: Variant summary: PRKG2 c.2127-29_2127-14dup16 alters a nucleotide located at a position not widely known to affect splicing. Consensus agreement among computation tools predict no significant impact on normal splicing. However, these predictions have yet to be confirmed by functional studies. The variant allele was found at a frequency of 0.02 in 804034 control chromosomes, predominantly at a frequency of 0.078 within the African or African-American subpopulation in the gnomAD database, including 151 homozygotes. The observed variant frequency within African or African-American control individuals in the gnomAD database exceeds the estimated maximal expected allele frequency for disease-causing variants in PRKG2. To our knowledge, no occurrence of c.2127-29_2127-14dup16 in individuals affected with PRKG2-related conditions and no experimental evidence demonstrating its impact on protein function have been reported. No submitters have cited clinical-significance assessments for this variant to ClinVar. Based on the evidence outlined above, the variant was classified as benign.